The following is an entry in ClinVar:

NM_001164760.2(PRKAR1B):c.969C>G (p.Tyr323Ter)

Gene: PRKAR1B (protein kinase cAMP-dependent type I regulatory subunit beta; minus strand). Cytogenetic location: 7p22.3.
Variant type: single nucleotide variant.
Coding change: c.969C>G on transcript NM_001164760.2 (MANE Select); coding-DNA position 969, C replaced by G.
Protein change: p.Tyr323Ter; replaces tyrosine 323 with a stop codon.
Molecular consequence: nonsense.
Genome position (GRCh38, 1-based): chr7:551,393, G>C on the plus strand (C>G on the coding strand, the complement: PRKAR1B is on the minus strand). VCF-style: chr7-551393-G-C. GRCh37 (hg19) VCF-style: chr7-591030-G-C.
Other names: c.969C>G, p.Tyr323Ter (NM_001164758.2, NM_001164759.1, NM_001164761.2 and 2 more transcripts); short protein forms Y323*.
Identifiers: ClinVar variation 4528106 (VCV004528106.1).
Genomic context (GRCh38, chr7:551,393, plus strand): 5'-GACCCCAAATGAGATGGCCACAGCCGTGCGAGGGAGGGGACGCCCACTGGACTCACCGAA[G>C]TAGTCAGAGGGTCCCAGGCGCCCCACCTCCACGTACTCCTCATTGGGGGACCGGCGCTGC-3'

ClinVar aggregate classification (germline): Uncertain significance (1 of 4 stars; one submission).

Submission:

GeneDx
Classification: Uncertain significance. Last evaluated: 2025-05-08. Review status: criteria provided, single submitter. Criteria: GeneDx Variant Classification Process June 2021. Collection method: clinical testing. Allele origin: germline. Affected: yes.
Comment: Not observed at significant frequency in large population cohorts (gnomAD); Nonsense variant predicted to result in protein truncation as the last 59 amino acids are lost; Has not been previously published as pathogenic or benign to our knowledge